The following is an entry in ClinVar:

NM_000090.4(COL3A1):c.758C>G (p.Pro253Arg)

Gene: COL3A1 (collagen type III alpha 1 chain; plus strand). Cytogenetic location: 2q32.2.
Variant type: single nucleotide variant.
Coding change: c.758C>G on transcript NM_000090.4 (MANE Select); coding-DNA position 758, C replaced by G.
Protein change: p.Pro253Arg; replaces proline 253 with arginine.
Molecular consequence: missense variant.
Genome position (GRCh38, 1-based): chr2:188,990,320, C>G. VCF-style: chr2-188990320-C-G. GRCh37 (hg19) VCF-style: chr2-189855046-C-G.
Other names: short protein forms P253R.
Identifiers: ClinVar variation 3074220 (VCV003074220.1), dbSNP rs2469118606, ClinGen allele CA349849154.
Genomic context (GRCh38, chr2:188,990,320, plus strand): 5'-GATTCTATTTGAAGGTTCATTAATATTTTTTCATTCATTATTTTTAGGGTATCAAAGGTC[C>G]AGCTGGGATACCTGGATTCCCTGGTATGAAAGGACACAGAGTAAGTAGAGTTTCTAAGTT-3'
Protein context (NP_000081.2, residues 243-263): GLPGPPGIKG[Pro253Arg]AGIPGFPGMK

ClinVar aggregate classification (germline): Uncertain significance (1 of 4 stars; one submission).

Conditions:
Ehlers-Danlos syndrome, type 4 (EDSVASC). Also called: Ehlers-Danlos Syndrome Type IV; Ehlers-Danlos syndrome vascular type; Ehlers Danlos syndrome, ecchymotic type; Ehlers Danlos syndrome, arterial type; Ehlers Danlos syndrome, Sack-Barabas type. Identifiers: Orphanet 286, MedGen C0268338, MONDO:0017314, OMIM 130050.

Submission:

All of Us Research Program, National Institutes of Health
Classification: Uncertain significance for Ehlers-Danlos syndrome, type 4. Last evaluated: 2023-12-01. Review status: criteria provided, single submitter. Criteria: ACMG Guidelines, 2015. Collection method: clinical testing. Allele origin: germline. Inheritance: Autosomal dominant inheritance. Observed: 1 variant allele, 1 heterozygote.
Comment: This study involves interpretation of variants in research participants for the purpose of population health screening. Participant phenotype was not available at the time of variant classification. Additional details can be found in publication PMID: 35346344, PMCID: PMC8962531